The following is an entry in ClinVar:

NM_133459.4(CCBE1):c.*4934G>T

Gene: CCBE1 (collagen and calcium binding EGF domains 1; minus strand). Cytogenetic location: 18q21.32.
Variant type: single nucleotide variant.
Coding change: c.*4934G>T on transcript NM_133459.4 (MANE Select); 4934 bases downstream of the stop codon, G replaced by T.
Molecular consequence: 3 prime UTR variant.
Genome position (GRCh38, 1-based): chr18:59,430,974, C>A on the plus strand (G>T on the coding strand, the complement: CCBE1 is on the minus strand). VCF-style: chr18-59430974-C-A. GRCh37 (hg19) VCF-style: chr18-57098206-C-A.
Identifiers: ClinVar variation 890054 (VCV000890054.28), dbSNP rs145940035, ClinGen allele CA301037234.

ClinVar aggregate classification (germline): Likely benign. Review status: criteria provided, multiple submitters, no conflicts (2 of 4 stars). 2 submissions from 2 submitters: Likely benign (2). Last evaluated 2023-01-01.

Conditions:
Hennekam lymphangiectasia-lymphedema syndrome 1 (HKLLS1). Also called: LYMPHATIC DYSPLASIA, GENERALIZED. Identifiers: Orphanet 2136, MedGen C4012050, MONDO:0009337, OMIM 235510.

Allele frequency attached by ClinVar (database versions not stated): 1000 Genomes Project 30x 0.00265; 1000 Genomes Project 0.00319; gnomAD 0.00321 and 0.00353; TOPMed 0.00352.

Submissions (2):

CeGaT Center for Human Genetics Tuebingen
Classification: Likely benign. Last evaluated: 2023-01-01. Review status: criteria provided, single submitter. Criteria: CeGaT Center For Human Genetics Tuebingen Variant Classification Criteria Version 2. Collection method: clinical testing. Allele origin: germline. Affected: yes. Observed: 1 variant allele.
Comment: CCBE1: BS1

Illumina Laboratory Services, Illumina
Classification: Likely benign for Hennekam lymphangiectasia-lymphedema syndrome 1. Last evaluated: 2018-01-12. Review status: criteria provided, single submitter. Criteria: ICSL Variant Classification Criteria 13 December 2019. Collection method: clinical testing. Allele origin: germline.
Comment: This variant was observed in the ICSL laboratory as part of a predisposition screen in an ostensibly healthy population. It had not been previously curated by ICSL or reported in the Human Gene Mutation Database (HGMD: prior to June 1st, 2018), and was therefore a candidate for classification through an automated scoring system. Utilizing variant allele frequency, disease prevalence and penetrance estimates, and inheritance mode, an automated score was calculated to assess if this variant is too frequent to cause the disease. Based on the score and internal cut-off values, a variant classified as likely benign is not then subjected to further curation. The score for this variant resulted in a classification of likely benign for this disease.